The following is an entry in ClinVar:

ClinVar aggregate classification (germline): Uncertain significance. Review status: criteria provided, multiple submitters, no conflicts (2 of 4 stars). 2 submissions from 2 submitters: Uncertain significance (2). Last evaluated 2024-02-24.

Conditions:
Hereditary cancer-predisposing syndrome. Also called: Neoplastic Syndromes, Hereditary; Tumor predisposition; Hereditary neoplastic syndrome; Hereditary Cancer Syndrome. Identifiers: Orphanet 140162, MedGen C0027672, MeSH D009386, MONDO:0015356.

Submissions (2):

Ambry Genetics
Classification: Uncertain significance for Hereditary cancer-predisposing syndrome. Last evaluated: 2024-02-24. Review status: criteria provided, single submitter. Criteria: Ambry Variant Classification Scheme 2023. Collection method: clinical testing. Allele origin: germline.
Comment: The p.W579L variant (also known as c.1736G>T), located in coding exon 11 of the RAD50 gene, results from a G to T substitution at nucleotide position 1736. The tryptophan at codon 579 is replaced by leucine, an amino acid with similar properties. This amino acid position is conserved. In addition, the in silico prediction for this alteration is inconclusive. Based on the available evidence, the clinical significance of this alteration remains unclear.

Labcorp Genetics (formerly Invitae), Labcorp
Classification: Uncertain significance for Hereditary cancer-predisposing syndrome. Last evaluated: 2023-09-05. Review status: criteria provided, single submitter. Criteria: Invitae Variant Classification Sherloc (09022015). Collection method: clinical testing. Allele origin: germline.
Comment: ClinVar contains an entry for this variant (Variation ID: 838028). This sequence change replaces tryptophan, which is neutral and slightly polar, with leucine, which is neutral and non-polar, at codon 579 of the RAD50 protein (p.Trp579Leu). This variant is not present in population databases (gnomAD no frequency). This variant has not been reported in the literature in individuals affected with RAD50-related conditions. Advanced modeling of protein sequence and biophysical properties (such as structural, functional, and spatial information, amino acid conservation, physicochemical variation, residue mobility, and thermodynamic stability) performed at Invitae indicates that this missense variant is not expected to disrupt RAD50 protein function. In summary, the available evidence is currently insufficient to determine the role of this variant in disease. Therefore, it has been classified as a Variant of Uncertain Significance.

NM_005732.4(RAD50):c.1736G>T (p.Trp579Leu)

Gene: RAD50 (RAD50 double strand break repair protein; plus strand). Cytogenetic location: 5q31.1.
Variant type: single nucleotide variant.
Coding change: c.1736G>T on transcript NM_005732.4 (MANE Select); coding-DNA position 1736, G replaced by T.
Protein change: p.Trp579Leu; replaces tryptophan 579 with leucine.
Molecular consequence: missense variant.
Genome position (GRCh38, 1-based): chr5:132,591,977, G>T. VCF-style: chr5-132591977-G-T. GRCh37 (hg19) VCF-style: chr5-131927669-G-T.
Other names: short protein forms W579L.
Identifiers: ClinVar variation 838028 (VCV000838028.11), dbSNP rs1554098484, ClinGen allele CA360946552.